The following is an entry in ClinVar:

NM_001793.6(CDH3):c.1724A>G (p.His575Arg)

Gene: CDH3 (cadherin 3; plus strand). Cytogenetic location: 16q22.1.
Variant type: single nucleotide variant.
Coding change: c.1724A>G on transcript NM_001793.6 (MANE Select); coding-DNA position 1724, A replaced by G.
Protein change: p.His575Arg; replaces histidine 575 with arginine.
Molecular consequence: missense variant.
Genome position (GRCh38, 1-based): chr16:68,687,665, A>G. VCF-style: chr16-68687665-A-G. GRCh37 (hg19) VCF-style: chr16-68721568-A-G.
Other names: c.1724A>G, p.His575Arg (NM_001317195.3); c.1559A>G, p.His520Arg (NM_001317196.2); short protein forms H575R, H520R.
Identifiers: ClinVar variation 1479359 (VCV001479359.8), dbSNP rs1310647677, ClinGen allele CA396454884.
Genomic context (GRCh38, chr16:68,687,665, plus strand): 5'-TCTGCAACCAAAGCCCTGTGCGCCAGGTGCTGAACATCACGGACAAGGACCTGTCTCCCC[A>G]CACCTCCCCTTTCCAGGCCCAGCTCACAGATGACTCAGACATCTACTGGACGGCAGAGGT-3'
Protein context (NP_001784.2, residues 565-585): LNITDKDLSP[His575Arg]TSPFQAQLTD

ClinVar aggregate classification (germline): Uncertain significance (1 of 4 stars; one submission).

Allele frequency attached by ClinVar (database versions not stated): gnomAD 0.00001; TOPMed 0.00001.
gnomAD v4.1: 1 of 1,613,856 alleles (0.000062%); highest among the groups gnomAD compares: Non-Finnish European, 0.000085%; no homozygotes.

Submission:

Labcorp Genetics (formerly Invitae), Labcorp
Classification: Uncertain significance. Last evaluated: 2025-03-10. Review status: criteria provided, single submitter. Criteria: Invitae Variant Classification Sherloc (09022015). Collection method: clinical testing. Allele origin: germline.
Comment: This sequence change replaces histidine, which is basic and polar, with arginine, which is basic and polar, at codon 575 of the CDH3 protein (p.His575Arg). This variant is present in population databases (no rsID available, gnomAD 0.007%). This missense change has been observed in individual(s) with hypotrichosis with juvenile macular dystrophy (PMID: 17342797). ClinVar contains an entry for this variant (Variation ID: 1479359). Invitae Evidence Modeling of protein sequence and biophysical properties (such as structural, functional, and spatial information, amino acid conservation, physicochemical variation, residue mobility, and thermodynamic stability) indicates that this missense variant is not expected to disrupt CDH3 protein function with a negative predictive value of 80%. In summary, the available evidence is currently insufficient to determine the role of this variant in disease. Therefore, it has been classified as a Variant of Uncertain Significance.

Literature cited by the submitters: PubMed 17342797.